The following is an entry in ClinVar:

NM_000435.3(NOTCH3):c.4992G>C (p.Val1664=)

Gene: NOTCH3 (notch receptor 3; minus strand). Cytogenetic location: 19p13.12.
Variant type: single nucleotide variant.
Coding change: c.4992G>C on transcript NM_000435.3 (MANE Select); coding-DNA position 4992, G replaced by C.
Protein change: p.Val1664=; no amino-acid change (valine 1664 retained).
Molecular consequence: synonymous variant.
Genome position (GRCh38, 1-based): chr19:15,170,453, C>G on the plus strand (G>C on the coding strand, the complement: NOTCH3 is on the minus strand). VCF-style: chr19-15170453-C-G. GRCh37 (hg19) VCF-style: chr19-15281264-C-G.
Identifiers: ClinVar variation 4872978 (VCV004872978.2).

ClinVar aggregate classification (germline): Likely benign (1 of 4 stars; one submission).

Submission:

CeGaT Center for Human Genetics Tuebingen
Classification: Likely benign. Last evaluated: 2026-05-01. Review status: criteria provided, single submitter. Criteria: CeGaT Center For Human Genetics Tuebingen Variant Classification Criteria Version 2. Collection method: clinical testing. Allele origin: germline. Affected: yes. Observed: 1 variant allele.
Comment: NOTCH3: PM2:Supporting, BP4, BP7